The following is an entry in ClinVar:

ClinVar aggregate classification (germline): Uncertain significance. Review status: criteria provided, multiple submitters, no conflicts (2 of 4 stars). 3 submissions from 3 submitters: Uncertain significance (3). Last evaluated 2022-03-15.

Conditions:
Luscan-Lumish syndrome. Identifiers: Orphanet 597738, MedGen C4085873, MONDO:0014791, OMIM 616831.

Allele frequency attached by ClinVar (database versions not stated): gnomAD below 0.00001 and 0.00003; gnomAD exomes 0.00006 and 0.00002; 1000 Genomes Project 0.00060; ExAC 0.00009; 1000 Genomes Project 30x 0.00047.
gnomAD v4.1: 38 of 1,613,358 alleles (0.0024%); highest among the groups gnomAD compares: South Asian, 0.042%; 2 homozygotes.

Submissions (3):

Genome-Nilou Lab
Classification: Uncertain significance for Luscan-Lumish syndrome. Last evaluated: 2022-03-15. Review status: criteria provided, single submitter. Criteria: ACMG Guidelines, 2015. Collection method: clinical testing. Allele origin: germline. Affected: no.

Labcorp Genetics (formerly Invitae), Labcorp
Classification: Uncertain significance for Luscan-Lumish syndrome. Last evaluated: 2021-09-02. Review status: criteria provided, single submitter. Criteria: Invitae Variant Classification Sherloc (09022015). Collection method: clinical testing. Allele origin: germline.
Comment: This sequence change replaces serine with asparagine at codon 1059 of the SETD2 protein (p.Ser1059Asn). The serine residue is moderately conserved and there is a small physicochemical difference between serine and asparagine. This variant is present in population databases (rs558262802, ExAC 0.07%), and has an allele count higher than expected for a pathogenic variant (PMID: 28166811). This variant has not been reported in the literature in individuals affected with SETD2-related conditions. Algorithms developed to predict the effect of missense changes on protein structure and function are either unavailable or do not agree on the potential impact of this missense change (SIFT: "Tolerated"; PolyPhen-2: "Probably Damaging"; Align-GVGD: "Class C0"). In summary, the available evidence is currently insufficient to determine the role of this variant in disease. Therefore, it has been classified as a Variant of Uncertain Significance.

Genomic Research Center, Shahid Beheshti University of Medical Sciences
Classification: Uncertain significance for Luscan-lumish syndrome. Last evaluated: 2019-01-01. Review status: criteria provided, single submitter. Criteria: ACMG Guidelines, 2015. Collection method: clinical testing. Allele origin: unknown. Affected: yes. Observed: 1 variant allele.

Literature cited by the submitters: PubMed 28166811 (cited by Labcorp Genetics (formerly Invitae), Labcorp).

NM_014159.7(SETD2):c.3176G>A (p.Ser1059Asn)

Gene: SETD2 (SET domain containing 2, histone lysine methyltransferase; minus strand). Cytogenetic location: 3p21.31.
Variant type: single nucleotide variant.
Coding change: c.3176G>A on transcript NM_014159.7 (MANE Select); coding-DNA position 3176, G replaced by A.
Protein change: p.Ser1059Asn; replaces serine 1059 with asparagine.
Molecular consequence: missense variant. On other transcripts: non-coding transcript variant (1).
Genome position (GRCh38, 1-based): chr3:47,121,460, C>T on the plus strand (G>A on the coding strand, the complement: SETD2 is on the minus strand). VCF-style: chr3-47121460-C-T. GRCh37 (hg19) VCF-style: chr3-47162950-C-T.
Other names: c.3044G>A, p.Ser1015Asn (NM_001349370.3); short protein forms S1059N, S1015N.
Identifiers: ClinVar variation 634604 (VCV000634604.8), dbSNP rs558262802, ClinGen allele CA2363427.